The following is an entry in ClinVar:

NM_000260.4(MYO7A):c.5835C>T (p.Leu1945=)

Gene: MYO7A (myosin VIIA; plus strand). Cytogenetic location: 11q13.5.
Variant type: single nucleotide variant.
Coding change: c.5835C>T on transcript NM_000260.4 (MANE Select); coding-DNA position 5835, C replaced by T.
Protein change: p.Leu1945=; no amino-acid change (leucine 1945 retained).
Molecular consequence: synonymous variant.
Genome position (GRCh38, 1-based): chr11:77,207,381, C>T. VCF-style: chr11-77207381-C-T. GRCh37 (hg19) VCF-style: chr11-76918426-C-T.
Other names: c.5721C>T, p.Leu1907= (NM_001127180.2); c.5688C>T, p.Leu1896= (NM_001369365.1).
Identifiers: ClinVar variation 43302 (VCV000043302.29), dbSNP rs111033476, ClinGen allele CA132402.
Genomic context (GRCh38, chr11:77,207,381, plus strand): 5'-GGACTTCTGCCAGAACATCGCCACCAGGCTGCTCCTCAAGTCCTCAGAGGGATTCAGCCT[C>T]TTTGTCAAAATTGCAGACAAGGTGGGTCCTTTGCCACCTTCGCCAAGGTGGGAGATTTGC-3'
Protein context (NP_000251.3, residues 1935-1955): LLLKSSEGFS[Leu1945=]FVKIADKVLS

ClinVar aggregate classification (germline): Benign/Likely benign. Review status: criteria provided, multiple submitters, no conflicts (2 of 4 stars). 10 submissions from 8 submitters: Benign (4); Likely benign (5). 1 of the submissions does not count toward it. Last evaluated 2026-01-31.

Conditions:
Usher syndrome type 1 (USH1). Also called: RETINITIS PIGMENTOSA AND CONGENITAL DEAFNESS. Identifiers: Orphanet 231169, Orphanet 886, MedGen C1568247, MONDO:0010168, OMIM 276900.
Autosomal dominant nonsyndromic hearing loss 11. Identifiers: Orphanet 90635, MedGen C1832475, MONDO:0011032, OMIM 601317.
Autosomal recessive nonsyndromic hearing loss 2. Also called: DEAFNESS, AUTOSOMAL RECESSIVE 2; NEUROSENSORY NONSYNDROMIC RECESSIVE DEAFNESS 2. Identifiers: Orphanet 90636, MedGen C1838701, MONDO:0010807, OMIM 600060.
Usher syndrome type 1B (USH1B). Also called: Usher syndrome type IB. Identifiers: MedGen C1848638, MONDO:0700087.

Allele frequency attached by ClinVar (database versions not stated): gnomAD exomes 0.00035 and 0.00081; ExAC 0.00138; ESP Exome Variant Server 0.00314; gnomAD 0.00384 and 0.00408; 1000 Genomes Project 0.00399; 1000 Genomes Project 30x 0.00406; TOPMed 0.00420.
gnomAD v4.1: 1,109 of 1,609,666 alleles (0.069%); highest among the groups gnomAD compares: African/African-American, 1.4%; 4 homozygotes.

Submissions (10):

Labcorp Genetics (formerly Invitae), Labcorp
Classification: Benign. Last evaluated: 2026-01-31. Review status: criteria provided, single submitter. Criteria: Invitae Variant Classification Sherloc (09022015). Collection method: clinical testing. Allele origin: germline.

Blueprint Genetics
Classification: Likely benign. Last evaluated: 2024-11-06. Review status: criteria provided, single submitter. Criteria: ACMG Guidelines, 2015. Collection method: clinical testing. Allele origin: germline.

GeneDx
Classification: Benign. Last evaluated: 2018-07-26. Review status: criteria provided, single submitter. Criteria: GeneDx Variant Classification Process June 2021. Collection method: clinical testing. Allele origin: germline. Affected: yes.

Illumina Laboratory Services, Illumina
Classification: Likely benign for Autosomal recessive nonsyndromic hearing loss 2. Last evaluated: 2017-04-27. Review status: criteria provided, single submitter. Criteria: ICSL Variant Classification Criteria 13 December 2019. Collection method: clinical testing. Allele origin: germline.
Comment: This variant was observed as part of a predisposition screen in an ostensibly healthy population. A literature search was performed for the gene, cDNA change, and amino acid change (where applicable). No publications were found based on this search. Allele frequency data from public databases allowed determination this variant is unlikely to cause disease. Therefore, this variant is classified as likely benign.

Illumina Laboratory Services, Illumina
Classification: Likely benign for Usher syndrome type 1. Last evaluated: 2017-04-27. Review status: criteria provided, single submitter. Criteria: ICSL Variant Classification Criteria 13 December 2019. Collection method: clinical testing. Allele origin: germline.
Comment: the same text as in the submission from Illumina Laboratory Services, Illumina above.

Illumina Laboratory Services, Illumina
Classification: Likely benign for Autosomal dominant nonsyndromic hearing loss 11. Last evaluated: 2017-04-27. Review status: criteria provided, single submitter. Criteria: ICSL Variant Classification Criteria 13 December 2019. Collection method: clinical testing. Allele origin: germline.
Comment: the same text as in the submission from Illumina Laboratory Services, Illumina above.

Eurofins Ntd Llc (ga)
Classification: Benign. Last evaluated: 2015-03-06. Review status: criteria provided, single submitter. Criteria: EGL Classification Definitions 2015. Collection method: clinical testing. Allele origin: germline. Observed: 1 variant allele, 1 heterozygote.

Laboratory for Molecular Medicine, Mass General Brigham Personalized Medicine
Classification: Benign. Last evaluated: 2012-04-27. Review status: criteria provided, single submitter. Criteria: LMM Criteria. Collection method: clinical testing. Allele origin: germline. Observed: 7 variant alleles.
Comment: Leu1945Leu in exon 42 of MYO7A: This variant is not expected to have clinical si gnificance because it does not alter an amino acid residue, is not located withi n the splice consensus sequence, has been identified in 0.9% (30/3396) of Africa n American chromosomes from a broad population by the NHLBI Exome sequencing pro ject (dbSNP rs77469944).

Breakthrough Genomics
Classification: Likely benign. Review status: criteria provided, single submitter. Criteria: ACMG Guidelines, 2015. Collection method: not provided. Allele origin: germline. Inheritance: Autosomal recessive inheritance. Affected: yes.

Natera, Inc.
Classification: Benign for Usher syndrome type 1B. Last evaluated: 2020-09-16. Review status: no assertion criteria provided. Collection method: clinical testing. Allele origin: germline. Not counted in ClinVar's aggregate classification.